The following is an entry in ClinVar:

NM_006231.4(POLE):c.883A>T (p.Met295Leu)

Gene: POLE (DNA polymerase epsilon, catalytic subunit; minus strand). Cytogenetic location: 12q24.33.
Variant type: single nucleotide variant.
Coding change: c.883A>T on transcript NM_006231.4 (MANE Select); coding-DNA position 883, A replaced by T.
Protein change: p.Met295Leu; replaces methionine 295 with leucine.
Molecular consequence: missense variant.
Genome position (GRCh38, 1-based): chr12:132,676,572, T>A on the plus strand (A>T on the coding strand, the complement: POLE is on the minus strand). VCF-style: chr12-132676572-T-A. GRCh37 (hg19) VCF-style: chr12-133253158-T-A.
Other names: short protein forms M295L.
Identifiers: ClinVar variation 1764833 (VCV001764833.2), dbSNP rs2136015636, ClinGen allele CA387364218.

ClinVar aggregate classification (germline): Uncertain significance (1 of 4 stars; one submission).

Conditions:
Hereditary cancer-predisposing syndrome. Also called: Neoplastic Syndromes, Hereditary; Tumor predisposition; Hereditary Cancer Syndrome; Hereditary neoplastic syndrome. Identifiers: Orphanet 140162, MedGen C0027672, MeSH D009386, MONDO:0015356.

Submission:

Ambry Genetics
Classification: Uncertain significance for Hereditary cancer-predisposing syndrome. Last evaluated: 2021-03-23. Review status: criteria provided, single submitter. Criteria: Ambry Variant Classification Scheme 2023. Collection method: clinical testing. Allele origin: germline.
Comment: The p.M295L variant (also known as c.883A>T), located in coding exon 9 of the POLE gene, results from an A to T substitution at nucleotide position 883. The methionine at codon 295 is replaced by leucine, an amino acid with highly similar properties. This amino acid position is highly conserved in available vertebrate species. In addition, the in silico prediction for this alteration is inconclusive. Since supporting evidence is limited at this time, the clinical significance of this alteration remains unclear.